The following is an entry in ClinVar:

NM_004385.5(VCAN):c.7059G>A (p.Thr2353=)

Genes: VCAN-AS1 (VCAN antisense RNA 1; minus strand), VCAN (versican; plus strand). Cytogenetic location: 5q14.3.
Variant type: single nucleotide variant.
Coding change: c.7059G>A on transcript NM_004385.5 (MANE Select); coding-DNA position 7059, G replaced by A.
Protein change: p.Thr2353=; no amino-acid change (threonine 2353 retained).
Molecular consequence: synonymous variant. On other transcripts: intron variant (2).
Genome position (GRCh38, 1-based): chr5:83,540,062, G>A. VCF-style: chr5-83540062-G-A. GRCh37 (hg19) VCF-style: chr5-82835881-G-A.
Other names: c.4098G>A, p.Thr1366= (NM_001164097.2); c.4004-5475G>A (NM_001164098.2); c.1043-5475G>A (NM_001126336.3); c.7059G>A (NM_004385.4).
Identifiers: ClinVar variation 1506453 (VCV001506453.8), dbSNP rs148008263, ClinGen allele CA3333570.

ClinVar aggregate classification (germline): Likely benign. Review status: criteria provided, multiple submitters, no conflicts (2 of 4 stars). 3 submissions from 3 submitters: Likely benign (3). Last evaluated 2025-08-18.

Conditions:
VCAN-related disorder. Also called: VCAN-related condition.

Allele frequency attached by ClinVar (database versions not stated): ExAC 0.00002; gnomAD exomes 0.00002 and 0.00003; TOPMed 0.00006; gnomAD 0.00007 and 0.00008; ESP Exome Variant Server 0.00008.
gnomAD v4.1: 51 of 1,613,950 alleles (0.0032%); highest among the groups gnomAD compares: African/African-American, 0.016%; no homozygotes.

Submissions (3):

Labcorp Genetics (formerly Invitae), Labcorp
Classification: Likely benign. Last evaluated: 2025-08-18. Review status: criteria provided, single submitter. Criteria: Invitae Variant Classification Sherloc (09022015). Collection method: clinical testing. Allele origin: germline.

PreventionGenetics, part of Exact Sciences
Classification: Likely benign for VCAN-related condition. Last evaluated: 2025-03-18. Review status: criteria provided, single submitter. Criteria: ACMG Guidelines, 2015. Collection method: clinical testing. Allele origin: germline.
Comment: This variant is classified as likely benign based on ACMG/AMP sequence variant interpretation guidelines (Richards et al. 2015 PMID: 25741868, with internal and published modifications).

Blueprint Genetics
Classification: Likely benign. Last evaluated: 2022-02-12. Review status: criteria provided, single submitter. Criteria: ACMG Guidelines, 2015. Collection method: clinical testing. Allele origin: germline.